The following is an entry in ClinVar:

ClinVar aggregate classification (germline): Likely pathogenic (1 of 4 stars; one submission).

Conditions:
Branchiootorenal syndrome 1. Also called: Branchio-Oto-Renal Syndrome 1. Identifiers: Orphanet 107, MedGen C4551702, MONDO:0007236, OMIM 113650.

Submission:

Institute of Rare Diseases, West China Hospital, Sichuan University
Classification: Likely pathogenic for Branchiootorenal syndrome 1. Last evaluated: 2025-01-09. Review status: criteria provided, single submitter. Criteria: ClinGen HL ACMG Specifications v1. Collection method: research. Allele origin: germline. Affected: yes.
Comment: PVS1;PM2_Supporting

NM_000503.6(EYA1):c.645T>G (p.Tyr215Ter)

Gene: EYA1 (EYA transcriptional coactivator and phosphatase 1; minus strand). Cytogenetic location: 8q13.3.
Variant type: single nucleotide variant.
Coding change: c.645T>G on transcript NM_000503.6 (MANE Select); coding-DNA position 645, T replaced by G.
Protein change: p.Tyr215Ter; replaces tyrosine 215 with a stop codon.
Molecular consequence: nonsense.
Genome position (GRCh38, 1-based): chr8:71,299,228, A>C on the plus strand (T>G on the coding strand, the complement: EYA1 is on the minus strand). VCF-style: chr8-71299228-A-C. GRCh37 (hg19) VCF-style: chr8-72211463-A-C.
Other names: c.627T>G, p.Tyr209Ter (NM_001288574.2); c.279T>G, p.Tyr93Ter (NM_001288575.2); c.732T>G, p.Tyr244Ter (NM_001370333.1); c.645T>G, p.Tyr215Ter (NM_001370334.1, NM_001370335.1, NM_172058.4); c.714T>G, p.Tyr238Ter (NM_001370336.1); c.546T>G, p.Tyr182Ter (NM_001411797.1, NM_172060.4); c.717T>G, p.Tyr239Ter (NM_172059.5); short protein forms Y182*, Y209*, Y215*, Y238*, Y239*, Y244*, Y93*.
Identifiers: ClinVar variation 3601113 (VCV003601113.1).
Genomic context (GRCh38, chr8:71,299,228, plus strand): 5'-ATACGGTGAGCTGTTATAATACTGTGCGTACTGACCCTGGCCAAAACTGGGATAAGACGG[A>C]TAGTCCTACCAAATCAAACCACACAAGAATTGTCTGTCAAAATACTGCTGCTTATCTCTT-3'